The following is an entry in ClinVar:

NM_001943.5(DSG2):c.3061A>G (p.Ser1021Gly)

Genes: DSG2-AS1 (DSG2 antisense RNA 1; minus strand), DSG2 (desmoglein 2; plus strand). Cytogenetic location: 18q12.1.
Variant type: single nucleotide variant.
Coding change: c.3061A>G on transcript NM_001943.5 (MANE Select); coding-DNA position 3061, A replaced by G.
Protein change: p.Ser1021Gly; replaces serine 1021 with glycine.
Molecular consequence: missense variant.
Genome position (GRCh38, 1-based): chr18:31,546,447, A>G. VCF-style: chr18-31546447-A-G. GRCh37 (hg19) VCF-style: chr18-29126410-A-G.
Other names: short protein forms S1021G.
Identifiers: ClinVar variation 3386610 (VCV003386610.3).
Genomic context (GRCh38, chr18:31,546,447, plus strand): 5'-CCTCTGGAAGGCACTCAGCATCTTCAAGATGTACCTTACGTCATGGTGAGGGAAAGAGAG[A>G]GCTTCCTTGCCCCCAGCTCAGGTGTGCAGCCTACTCTGGCCATGCCTAATATAGCAGTAG-3'
Protein context (NP_001934.2, residues 1011-1031): VPYVMVRERE[Ser1021Gly]FLAPSSGVQP

ClinVar aggregate classification (germline): Uncertain significance. Review status: criteria provided, multiple submitters, no conflicts (2 of 4 stars). 2 submissions from 2 submitters: Uncertain significance (2). Last evaluated 2024-11-19.

Conditions:
Arrhythmogenic right ventricular dysplasia 10. Also called: ARRHYTHMOGENIC RIGHT VENTRICULAR DYSPLASIA, FAMILIAL, 10; Arrhythmogenic Right Ventricular Dysplasia/Cardiomyopathy10; Arrhythmogenic right ventricular dysplasia/cardiomyopathy, type 10. Identifiers: MedGen C1857777, MONDO:0012434, OMIM 610193.
Arrhythmogenic right ventricular cardiomyopathy (ARVD). Also called: Arrhythmogenic right ventricular dysplasia; Cardiomyopathy, ARVC; Arrhythmogenic cardiomyopathy; Arrhythmogenic Right Ventricular Cardiomyopathy (ARVC). Identifiers: Orphanet 247, MedGen C0349788, MeSH D019571, MONDO:0016587. Disease mechanism: loss of function. Inheritance: Various modes of inheritance.

gnomAD v4.1: 13 of 1,613,934 alleles (0.00081%); highest among the groups gnomAD compares: African/African-American, 0.0013%; no homozygotes.

Submissions (2):

Labcorp Genetics (formerly Invitae), Labcorp
Classification: Uncertain significance for Arrhythmogenic right ventricular dysplasia 10. Last evaluated: 2024-11-19. Review status: criteria provided, single submitter. Criteria: Invitae Variant Classification Sherloc (09022015). Collection method: clinical testing. Allele origin: germline.
Comment: This sequence change replaces serine, which is neutral and polar, with glycine, which is neutral and non-polar, at codon 1021 of the DSG2 protein (p.Ser1021Gly). This variant is not present in population databases (gnomAD no frequency). This variant has not been reported in the literature in individuals affected with DSG2-related conditions. Invitae Evidence Modeling of protein sequence and biophysical properties (such as structural, functional, and spatial information, amino acid conservation, physicochemical variation, residue mobility, and thermodynamic stability) indicates that this missense variant is not expected to disrupt DSG2 protein function with a negative predictive value of 95%. In summary, the available evidence is currently insufficient to determine the role of this variant in disease. Therefore, it has been classified as a Variant of Uncertain Significance.

All of Us Research Program, National Institutes of Health
Classification: Uncertain significance for Arrhythmogenic right ventricular cardiomyopathy. Last evaluated: 2024-02-22. Review status: criteria provided, single submitter. Criteria: ACMG Guidelines, 2015. Collection method: clinical testing. Allele origin: germline. Inheritance: Autosomal dominant inheritance. Observed: 1 variant allele, 1 heterozygote.
Comment: This missense variant replaces serine with glycine at codon 1021 of the DSG2 protein. Computational prediction suggests that this variant may not impact protein structure and function (internally defined REVEL score threshold <= 0.5, PMID: 27666373). To our knowledge, functional studies have not been reported for this variant. This variant has not been reported in individuals affected with DSG2-related disorders in the literature. This variant has been identified in 1/249426 chromosomes in the general population by the Genome Aggregation Database (gnomAD). The available evidence is insufficient to determine the role of this variant in disease conclusively. Therefore, this variant is classified as a Variant of Uncertain Significance.

This study involves interpretation of variants in research participants for the purpose of population health screening. Participant phenotype was not available at the time of variant classification. Additional details can be found in publication PMID: 35346344, PMCID: PMC8962531